The following is an entry in ClinVar:

ClinVar aggregate classification (germline): Uncertain significance. Review status: criteria provided, multiple submitters, no conflicts (2 of 4 stars). 2 submissions from 2 submitters: Uncertain significance (2). Last evaluated 2025-11-18.

Conditions:
Ehlers-Danlos syndrome, classic-like, 2. Identifiers: Orphanet 536532, MedGen C4693870, MONDO:0054813, OMIM 618000.

gnomAD v4.1: 98 of 1,564,992 alleles (0.0063%); highest among the groups gnomAD compares: Non-Finnish European, 0.0081%; no homozygotes.

Submissions (2):

Women's Health and Genetics/Laboratory Corporation of America, LabCorp
Classification: Uncertain significance. Last evaluated: 2025-11-18. Review status: criteria provided, single submitter. Criteria: LabCorp Variant Classification Summary - May 2015. Collection method: clinical testing. Allele origin: germline.
Comment: Variant summary: AEBP1 c.205G>A (p.Ala69Thr) results in a non-conservative amino acid change in the encoded protein sequence. Algorithms developed to predict the effect of missense changes on protein structure and function are either unavailable or do not agree on the potential impact of this missense change. The variant allele was found at a frequency of 6.2e-06 in 161866 control chromosomes. The available data on variant occurrences in the general population are insufficient to allow any conclusion about variant significance. To our knowledge, no occurrence of c.205G>A in individuals affected with AEBP1-related conditions and no experimental evidence demonstrating its impact on protein function have been reported. ClinVar contains an entry for this variant (Variation ID: 3594699). Based on the evidence outlined above, the variant was classified as uncertain significance.

Fulgent Genetics
Classification: Uncertain significance for Ehlers-Danlos syndrome, classic-like, 2. Last evaluated: 2024-04-24. Review status: criteria provided, single submitter. Criteria: ACMG Guidelines, 2015. Collection method: clinical testing. Allele origin: germline.

NM_001129.5(AEBP1):c.205G>A (p.Ala69Thr)

Gene: AEBP1 (AE binding protein 1; plus strand). Cytogenetic location: 7p13.
Variant type: single nucleotide variant.
Coding change: c.205G>A on transcript NM_001129.5 (MANE Select); coding-DNA position 205, G replaced by A.
Protein change: p.Ala69Thr; replaces alanine 69 with threonine.
Molecular consequence: missense variant.
Genome position (GRCh38, 1-based): chr7:44,104,870, G>A. VCF-style: chr7-44104870-G-A. GRCh37 (hg19) VCF-style: chr7-44144469-G-A.
Other names: short protein forms A69T.
Identifiers: ClinVar variation 3594699 (VCV003594699.2).
Genomic context (GRCh38, chr7:44,104,870, plus strand): 5'-CCCCGGGAGGACGACGTGGAGGCCCCGCCGCCTCCCGAGCCCACCCCGCGGGTCCGAAAA[G>A]CCCAGGCGGGGGGCAAGCCAGGGAAGCGGCCAGGGACGGCCGCAGAAGGTAAGAGCCCAG-3'
Protein context (NP_001120.3, residues 59-79): PPEPTPRVRK[Ala69Thr]QAGGKPGKRP